The following is an entry in ClinVar:

NM_000124.4(ERCC6):c.304C>T (p.Gln102Ter)

Gene: ERCC6 (ERCC excision repair 6, chromatin remodeling factor; minus strand). Cytogenetic location: 10q11.23.
Variant type: single nucleotide variant.
Coding change: c.304C>T on transcript NM_000124.4 (MANE Select); coding-DNA position 304, C replaced by T.
Protein change: p.Gln102Ter; replaces glutamine 102 with a stop codon.
Molecular consequence: nonsense.
Genome position (GRCh38, 1-based): chr10:49,532,661, G>A on the plus strand (C>T on the coding strand, the complement: ERCC6 is on the minus strand). VCF-style: chr10-49532661-G-A. GRCh37 (hg19) VCF-style: chr10-50740707-G-A.
Other names: c.304C>T, p.Gln102Ter (NM_001277058.2, NM_001277059.2, NM_001346440.2); short protein forms Q102*.
Identifiers: ClinVar variation 1409508 (VCV001409508.6), dbSNP rs1339834464, ClinGen allele CA376712507.

ClinVar aggregate classification (germline): Pathogenic (1 of 4 stars; one submission).

Submission:

Labcorp Genetics (formerly Invitae), Labcorp
Classification: Pathogenic. Last evaluated: 2021-03-24. Review status: criteria provided, single submitter. Criteria: Invitae Variant Classification Sherloc (09022015). Collection method: clinical testing. Allele origin: germline.
Comment: This variant has not been reported in the literature in individuals with ERCC6-related conditions. This variant is not present in population databases (ExAC no frequency). This sequence change creates a premature translational stop signal (p.Gln102*) in the ERCC6 gene. It is expected to result in an absent or disrupted protein product. Loss-of-function variants in ERCC6 are known to be pathogenic (PMID: 18628313, 29572252). For these reasons, this variant has been classified as Pathogenic.

Literature cited by the submitters: PubMed 18628313; PubMed 29572252.